The following is an entry in ClinVar:

ClinVar aggregate classification (germline): Benign (0 of 4 stars; one submission).

Conditions:
REV3L-related disorder. Also called: REV3L-related condition.

Allele frequency attached by ClinVar (database versions not stated): gnomAD 0.02877; gnomAD exomes 0.02901; ESP Exome Variant Server 0.03091; ExAC 0.03358; 1000 Genomes Project 30x 0.03373; 1000 Genomes Project 0.03534; TOPMed 0.02632.
gnomAD v4.1: 46,716 of 1,612,640 alleles (2.9%); highest among the groups gnomAD compares: South Asian, 7.8%; 936 homozygotes.

Submission:

PreventionGenetics, part of Exact Sciences
Classification: Benign for REV3L-related condition. Last evaluated: 2019-06-28. Review status: no assertion criteria provided. Collection method: clinical testing. Allele origin: germline.
Comment: This variant is classified as benign based on ACMG/AMP sequence variant interpretation guidelines (Richards et al. 2015 PMID: 25741868, with internal and published modifications).

NM_001372078.1(REV3L):c.3659C>T (p.Ser1220Leu)

Gene: REV3L (REV3 like, DNA directed polymerase zeta catalytic subunit; minus strand). Cytogenetic location: 6q21.
Variant type: single nucleotide variant.
Coding change: c.3659C>T on transcript NM_001372078.1 (MANE Select); coding-DNA position 3659, C replaced by T.
Protein change: p.Ser1220Leu; replaces serine 1220 with leucine.
Molecular consequence: missense variant.
Genome position (GRCh38, 1-based): chr6:111,374,696, G>A on the plus strand (C>T on the coding strand, the complement: REV3L is on the minus strand). VCF-style: chr6-111374696-G-A. GRCh37 (hg19) VCF-style: chr6-111695899-G-A.
Other names: c.3425C>T, p.Ser1142Leu (NM_001286431.2, NM_001286432.2); c.3659C>T, p.Ser1220Leu (NM_002912.5); short protein forms S1142L, S1220L.
Identifiers: ClinVar variation 3037346 (VCV003037346.2), dbSNP rs3218600, ClinGen allele CA3962159.